The following is an entry in ClinVar:

NM_001142966.3(GREB1L):c.206A>G (p.Tyr69Cys)

Genes: GREB1L (GREB1 like retinoic acid receptor coactivator; plus strand), GREB1L-AS1 (GREB1L antisense RNA 1; minus strand). Cytogenetic location: 18q11.1.
Variant type: single nucleotide variant.
Coding change: c.206A>G on transcript NM_001142966.3 (MANE Select); coding-DNA position 206, A replaced by G.
Protein change: p.Tyr69Cys; replaces tyrosine 69 with cysteine.
Molecular consequence: missense variant.
Genome position (GRCh38, 1-based): chr18:21,384,254, A>G. VCF-style: chr18-21384254-A-G. GRCh37 (hg19) VCF-style: chr18-18964215-A-G.
Other names: c.206A>G, p.Tyr69Cys (NM_001410867.1, NM_001410868.1); short protein forms Y69C.
Identifiers: ClinVar variation 4977495 (VCV004977495.1).

ClinVar aggregate classification (germline): Uncertain significance (1 of 4 stars; one submission).

Conditions:
GREB1L-related disorder. Also called: GREB1L-related condition.

gnomAD v4.1: 16 of 1,551,370 alleles (0.001%); highest among the groups gnomAD compares: Admixed American, 0.016%; no homozygotes.

Submission:

PreventionGenetics, part of Exact Sciences
Classification: Uncertain significance for GREB1L-related condition. Last evaluated: 2024-11-15. Review status: criteria provided, single submitter. Criteria: ACMG Guidelines, 2015. Collection method: clinical testing. Allele origin: germline.
Comment: The GREB1L c.206A>G variant is predicted to result in the amino acid substitution p.Tyr69Cys. To our knowledge, this variant has not been reported in the literature. This variant is reported in 0.028% of alleles in individuals of Latino descent in gnomAD. Although we suspect that this variant may be benign, at this time, the clinical significance of this variant is uncertain due to the absence of conclusive functional and genetic evidence.